The following is an entry in ClinVar:

ClinVar aggregate classification (germline): Uncertain significance (1 of 4 stars; one submission).

Conditions:
Hereditary cancer-predisposing syndrome. Also called: Hereditary neoplastic syndrome; Neoplastic Syndromes, Hereditary; Tumor predisposition; Hereditary Cancer Syndrome. Identifiers: Orphanet 140162, MedGen C0027672, MeSH D009386, MONDO:0015356.

Submission:

Ambry Genetics
Classification: Uncertain significance for Hereditary cancer-predisposing syndrome. Last evaluated: 2025-03-08. Review status: criteria provided, single submitter. Criteria: Ambry Variant Classification Scheme 2023. Collection method: clinical testing. Allele origin: germline.
Comment: The p.E693V variant (also known as c.2078A>T), located in coding exon 17 of the BAP1 gene, results from an A to T substitution at nucleotide position 2078. The glutamic acid at codon 693 is replaced by valine, an amino acid with dissimilar properties. This amino acid position is conserved. In addition, this alteration is predicted to be deleterious by in silico analysis. Based on the available evidence, the clinical significance of this variant remains unclear.

NM_004656.4(BAP1):c.2078A>T (p.Glu693Val)

Gene: BAP1 (BRCA1 associated deubiquitinase 1; minus strand). Cytogenetic location: 3p21.1.
Variant type: single nucleotide variant.
Coding change: c.2078A>T on transcript NM_004656.4 (MANE Select); coding-DNA position 2078, A replaced by T.
Protein change: p.Glu693Val; replaces glutamic acid 693 with valine.
Molecular consequence: missense variant.
Genome position (GRCh38, 1-based): chr3:52,402,400, T>A on the plus strand (A>T on the coding strand, the complement: BAP1 is on the minus strand). VCF-style: chr3-52402400-T-A. GRCh37 (hg19) VCF-style: chr3-52436416-T-A.
Other names: c.2024A>T, p.Glu675Val (NM_001410772.1); short protein forms E675V, E693V.
Identifiers: ClinVar variation 3819357 (VCV003819357.1).